The following is an entry in ClinVar:

NM_004628.5(XPC):c.2289del (p.Ser765fs)

Gene: XPC (XPC complex subunit, DNA damage recognition and repair factor; minus strand). Cytogenetic location: 3p25.1.
Variant type: Deletion.
Coding change: c.2289del on transcript NM_004628.5 (MANE Select); coding-DNA position 2289, one base deleted (G; older notation c.2289delG).
Protein change: p.Ser765fs; shifts the reading frame from serine 765.
Molecular consequence: frameshift variant. On other transcripts: non-coding transcript variant (2).
Genome position (GRCh38, 1-based): chr3:14,148,693, C deleted on the plus strand (G on the coding strand, the reverse complement: XPC is on the minus strand). VCF-style (leftmost placement, unchanged base first): chr3-14148692-GC-G. GRCh37 (hg19) VCF-style: chr3-14190192-GC-G.
Other names: c.1710del, p.Ser572fs (NM_001354726.2); c.2283del, p.Ser763fs (NM_001354727.2); c.2271del, p.Ser759fs (NM_001354729.2); c.2043del, p.Ser683fs (NM_001354730.2); short protein forms S759fs, S763fs, S572fs, S683fs, S765fs.
Identifiers: ClinVar variation 2804732 (VCV002804732.4), dbSNP rs1032646332, ClinGen allele CA69742255.
Genomic context (GRCh38, chr3:14,148,692, plus strand): 5'-GGGCCACGCGGTGTAGATTGGGCAGGTTCAGCTGGACACAGCCAATAGGCATCATGCTGG[GC>G]AGGAAGAGGTACACATTCCCAAACTCGTTCCGGGGCACCTGTGTCGGGTGAGCAAGTCAG-3'

ClinVar aggregate classification (germline): Pathogenic/Likely pathogenic. Review status: criteria provided, multiple submitters, no conflicts (2 of 4 stars). 2 submissions from 2 submitters: Pathogenic (1); Likely pathogenic (1). Last evaluated 2025-05-14.

Conditions:
Xeroderma pigmentosum, group C (XPC). Also called: XPC-Related Xeroderma Pigmentosum; Xeroderma pigmentosum, complementation group C; XERODERMA PIGMENTOSUM III; XP, GROUP C. Identifiers: Orphanet 910, MedGen C2752147, MONDO:0010211, OMIM 278720.

Allele frequency attached by ClinVar (database versions not stated): TOPMed below 0.00001.

Submissions (2):

Myriad Genetics, Inc.
Classification: Likely pathogenic for Xeroderma pigmentosum, group C. Last evaluated: 2025-05-14. Review status: criteria provided, single submitter. Criteria: Myriad Autosomal Dominant, Autosomal Recessive and X-Linked Classification Criteria (2023). Collection method: clinical testing. Allele origin: unknown.
Comment: NM_004628.4(XPC):c.2289delG(S765Afs*2) is a frameshift variant classified as likely pathogenic in the context of xeroderma pigmentosum group C. S765Afs*2 has not been observed in cases with relevant disease. Relevant functional assessments of this variant are not available in the literature. S765Afs*2 has not been observed in referenced population frequency databases. In summary, NM_004628.4(XPC):c.2289delG(S765Afs*2) is a frameshift variant in a gene where loss of function is a known mechanism of disease and is predicted to disrupt protein function. Please note: this variant was assessed in the context of healthy population screening.

Labcorp Genetics (formerly Invitae), Labcorp
Classification: Pathogenic. Last evaluated: 2023-02-01. Review status: criteria provided, single submitter. Criteria: Invitae Variant Classification Sherloc (09022015). Collection method: clinical testing. Allele origin: germline.
Comment: This variant is not present in population databases (gnomAD no frequency). This sequence change creates a premature translational stop signal (p.Ser765Alafs*2) in the XPC gene. It is expected to result in an absent or disrupted protein product. Loss-of-function variants in XPC are known to be pathogenic (PMID: 23173980, 25256075). This variant has not been reported in the literature in individuals affected with XPC-related conditions. Algorithms developed to predict the effect of sequence changes on RNA splicing suggest that this variant may create or strengthen a splice site. For these reasons, this variant has been classified as Pathogenic.

Literature cited by the submitters: PubMed 23173980 (cited by Labcorp Genetics (formerly Invitae), Labcorp); PubMed 25256075 (cited by Labcorp Genetics (formerly Invitae), Labcorp).